The following is an entry in ClinVar:

ClinVar aggregate classification (germline): Benign. Review status: criteria provided, multiple submitters, no conflicts (2 of 4 stars). 6 submissions from 6 submitters: Benign (5). 1 of the submissions does not count toward it. Last evaluated 2026-02-04.

Conditions:
Hereditary spastic paraplegia 49 (HSAN9). Also called: Spastic paraplegia 49, autosomal recessive; NEUROPATHY, HEREDITARY SENSORY AND AUTONOMIC, TYPE IX, WITH DEVELOPMENTAL DELAY; TECPR2-Related Hereditary Sensory and Autonomic Neuropathy with Intellectual Disability. Identifiers: Orphanet 320385, MedGen C5190860, MONDO:0014016, OMIM 615031.

Allele frequency attached by ClinVar (database versions not stated): 1000 Genomes Project 0.86042; 1000 Genomes Project 30x 0.86259; ExAC 0.88334; gnomAD exomes 0.89189 and 0.93636; TOPMed 0.91938; gnomAD 0.93260 and 0.93726; ESP Exome Variant Server 0.96560.
gnomAD v4.1: 1,399,554 of 1,495,682 alleles (94%); highest among the groups gnomAD compares: African/African-American, 99%; 658,045 homozygotes.

Submissions (6):

Labcorp Genetics (formerly Invitae), Labcorp
Classification: Benign for Hereditary spastic paraplegia 49. Last evaluated: 2026-02-04. Review status: criteria provided, single submitter. Criteria: Invitae Variant Classification Sherloc (09022015). Collection method: clinical testing. Allele origin: germline.

Genome-Nilou Lab
Classification: Benign for Hereditary spastic paraplegia 49. Last evaluated: 2021-07-10. Review status: criteria provided, single submitter. Criteria: ACMG Guidelines, 2015. Collection method: clinical testing. Allele origin: germline. Affected: no.

Mayo Clinic Laboratories, Mayo Clinic
Classification: Benign. Last evaluated: 2017-07-19. Review status: criteria provided, single submitter. Criteria: ACMG Guidelines, 2015. Collection method: clinical testing. Allele origin: germline. Observed: 843 variant alleles.

GeneDx
Classification: Benign. Last evaluated: 2016-01-22. Review status: criteria provided, single submitter. Criteria: GeneDx Variant Classification (06012015). Collection method: clinical testing. Allele origin: germline. Affected: yes.
Comment: This variant is considered likely benign or benign based on one or more of the following criteria: it is a conservative change, it occurs at a poorly conserved position in the protein, it is predicted to be benign by multiple in silico algorithms, and/or has population frequency not consistent with disease.

Breakthrough Genomics
Classification: Benign. Review status: criteria provided, single submitter. Criteria: ACMG Guidelines, 2015. Collection method: not provided. Allele origin: germline. Inheritance: Autosomal recessive inheritance. Affected: yes.

Natera, Inc.
Classification: Benign for Autosomal recessive spastic paraplegia type 49. Last evaluated: 2020-09-16. Review status: no assertion criteria provided. Collection method: clinical testing. Allele origin: germline. Not counted in ClinVar's aggregate classification.

NM_014844.5(TECPR2):c.958G>A (p.Val320Ile)

Gene: TECPR2 (tectonin beta-propeller repeat containing 2; plus strand). Cytogenetic location: 14q32.31.
Variant type: single nucleotide variant.
Coding change: c.958G>A on transcript NM_014844.5 (MANE Select); coding-DNA position 958, G replaced by A.
Protein change: p.Val320Ile; replaces valine 320 with isoleucine.
Molecular consequence: missense variant.
Genome position (GRCh38, 1-based): chr14:102,428,256, G>A. VCF-style: chr14-102428256-G-A. GRCh37 (hg19) VCF-style: chr14-102894593-G-A.
Other names: p.Val320Ile; c.958G>A, p.Val320Ile (NM_001172631.3); short protein forms V320I.
Identifiers: ClinVar variation 380873 (VCV000380873.16), dbSNP rs1309353, ClinGen allele CA7357611.